The following is an entry in ClinVar:

NM_178857.6(RP1L1):c.*513G>C

Gene: RP1L1 (RP1 like 1). Cytogenetic location: 8p23.1.
Variant type: single nucleotide variant.
Coding change: c.*513G>C on transcript NM_178857.6 (MANE Select); 513 bases downstream of the stop codon, G replaced by C.
Molecular consequence: 3 prime UTR variant.
Genome position (GRCh38, 1-based): chr8:10,606,382, C>G on the plus strand (G>C on the coding strand, the complement: RP1L1 is on the minus strand). VCF-style: chr8-10606382-C-G. GRCh37 (hg19) VCF-style: chr8-10463892-C-G.
Identifiers: ClinVar variation 361185 (VCV000361185.5), dbSNP rs181865746, ClinGen allele CA10629729.

ClinVar aggregate classification (germline): Benign (1 of 4 stars; one submission).

Conditions:
Occult macular dystrophy (OCMD). Also called: OMD; OCCULT MACULAR DYSTROPHY, SUSCEPTIBILITY TO. Identifiers: Orphanet 247834, MedGen C3150833, MONDO:0013316, OMIM 613587, HP:0030636.

Allele frequency attached by ClinVar (database versions not stated): gnomAD exomes 0.00057; 1000 Genomes Project 0.00240; 1000 Genomes Project 30x 0.00312; gnomAD 0.00354 and 0.00378; TOPMed 0.00415.
gnomAD v4.1: 535 of 154,126 alleles (0.35%); highest among the groups gnomAD compares: African/African-American, 1.2%; 2 homozygotes.

Submission:

Illumina Laboratory Services, Illumina
Classification: Benign for Occult macular dystrophy. Last evaluated: 2018-01-13. Review status: criteria provided, single submitter. Criteria: ICSL Variant Classification Criteria 13 December 2019. Collection method: clinical testing. Allele origin: germline.
Comment: This variant was observed in the ICSL laboratory as part of a predisposition screen in an ostensibly healthy population. It had not been previously curated by ICSL or reported in the Human Gene Mutation Database (HGMD: prior to June 1st, 2018), and was therefore a candidate for classification through an automated scoring system. Utilizing variant allele frequency, disease prevalence and penetrance estimates, and inheritance mode, an automated score was calculated to assess if this variant is too frequent to cause the disease. Based on the score and internal cut-off values, a variant classified as benign is not then subjected to further curation. The score for this variant resulted in a classification of benign for this disease.